The following is an entry in ClinVar:

NM_207122.2(EXT2):c.744-16T>G

Gene: EXT2 (exostosin glycosyltransferase 2; plus strand). Cytogenetic location: 11p11.2.
Variant type: single nucleotide variant.
Coding change: c.744-16T>G on transcript NM_207122.2 (MANE Select); 16 bases into the intron before coding-DNA position 744, T replaced by G.
Molecular consequence: intron variant.
Genome position (GRCh38, 1-based): chr11:44,124,773, T>G. VCF-style: chr11-44124773-T-G. GRCh37 (hg19) VCF-style: chr11-44146323-T-G.
Other names: c.744-16T>G (NM_001389630.1, NM_001178083.3, NM_001389628.1); c.843-16T>G (NM_000401.3).
Identifiers: ClinVar variation 2819818 (VCV002819818.3), dbSNP rs1198618230, ClinGen allele CA2613201506.

ClinVar aggregate classification (germline): Uncertain significance (1 of 4 stars; one submission).

Conditions:
Exostoses, multiple, type 2 (EXT2). Also called: Hereditary Multiple Osteochondromatosis, Type II; EXOSTOSES, MULTIPLE, TYPE II. Identifiers: Orphanet 321, MedGen C1851413, MONDO:0007586, OMIM 133701.

gnomAD v4.1: 1 of 1,613,254 alleles (0.000062%); highest among the groups gnomAD compares: Non-Finnish European, 0.000085%; no homozygotes.

Submission:

Labcorp Genetics (formerly Invitae), Labcorp
Classification: Uncertain significance for Exostoses, multiple, type 2. Last evaluated: 2022-12-10. Review status: criteria provided, single submitter. Criteria: Invitae Variant Classification Sherloc (09022015). Collection method: clinical testing. Allele origin: germline.
Comment: In summary, the available evidence is currently insufficient to determine the role of this variant in disease. Therefore, it has been classified as a Variant of Uncertain Significance. Algorithms developed to predict the effect of sequence changes on RNA splicing suggest that this variant may create or strengthen a splice site. This variant has not been reported in the literature in individuals affected with EXT2-related conditions. This variant is not present in population databases (gnomAD no frequency). This sequence change falls in intron 4 of the EXT2 gene. It does not directly change the encoded amino acid sequence of the EXT2 protein.